The following is an entry in ClinVar:

NM_001206999.2(CIT):c.1295+7G>A

Gene: CIT (citron rho-interacting serine/threonine kinase; minus strand). Cytogenetic location: 12q24.23.
Variant type: single nucleotide variant.
Coding change: c.1295+7G>A on transcript NM_001206999.2 (MANE Select); 7 bases into the intron after coding-DNA position 1295, G replaced by A.
Molecular consequence: intron variant.
Genome position (GRCh38, 1-based): chr12:119,803,199, C>T on the plus strand (G>A on the coding strand, the complement: CIT is on the minus strand). VCF-style: chr12-119803199-C-T. GRCh37 (hg19) VCF-style: chr12-120241003-C-T.
Other names: c.1295+7G>A (NM_001206999.1, NM_007174.3).
Identifiers: ClinVar variation 2910765 (VCV002910765.5), dbSNP rs367918257, ClinGen allele CA6822144.

ClinVar aggregate classification (germline): Likely benign. Review status: criteria provided, single submitter (1 of 4 stars). 2 submissions from 2 submitters: Likely benign (1). 1 of the submissions does not count toward it. Last evaluated 2023-04-15.

Conditions:
CIT-related disorder. Also called: CIT-related condition.

Allele frequency attached by ClinVar (database versions not stated): ESP Exome Variant Server 0.00008; ExAC 0.00012; gnomAD 0.00014.
gnomAD v4.1: 150 of 1,249,870 alleles (0.012%); highest among the groups gnomAD compares: Admixed American, 0.041%; no homozygotes.

Submissions (2):

Labcorp Genetics (formerly Invitae), Labcorp
Classification: Likely benign. Last evaluated: 2023-04-15. Review status: criteria provided, single submitter. Criteria: Invitae Variant Classification Sherloc (09022015). Collection method: clinical testing. Allele origin: germline.

PreventionGenetics, part of Exact Sciences
Classification: Likely benign for CIT-related condition. Last evaluated: 2019-05-07. Review status: no assertion criteria provided. Collection method: clinical testing. Allele origin: germline. Not counted in ClinVar's aggregate classification.
Comment: This variant is classified as likely benign based on ACMG/AMP sequence variant interpretation guidelines (Richards et al. 2015 PMID: 25741868, with internal and published modifications).